The following is an entry in ClinVar:

NM_020318.3(PAPPA2):c.3365+11TG[17]

Gene: PAPPA2 (pappalysin 2; plus strand). Cytogenetic location: 1q25.2.
Variant type: Microsatellite.
Coding change: c.3365+11TG[17] on transcript NM_020318.3 (MANE Select); 17 copies in a row of the 2-base unit TG starting at c.3365+11; the reference has 16 copies in a row; one copy, 2 bases duplicated.
Molecular consequence: intron variant.
Genome position (GRCh38, 1-based): chr1:176,702,776-176,702,777, TG duplicated; duplicating any 2 consecutive bases within chr1:176,702,746-176,702,777 gives the same sequence; the position shown is the placement nearest the transcript's 3' end. VCF-style (leftmost placement, unchanged base first): chr1-176702745-T-TTG. GRCh37 (hg19) VCF-style: chr1-176671881-T-TTG.
Other names: c.3365+41_3365+42dupTG (NM_020318.3).
Identifiers: ClinVar variation 4887521 (VCV004887521.1).

ClinVar aggregate classification (germline): Likely benign (1 of 4 stars; one submission).

Submission:

Women's Health and Genetics/Laboratory Corporation of America, LabCorp
Classification: Likely benign. Last evaluated: 2026-06-04. Review status: criteria provided, single submitter. Criteria: LabCorp Variant Classification Summary - May 2015. Collection method: clinical testing. Allele origin: germline.
Comment: Variant summary: PAPPA2 c.3365+41_3365+42dupTG is located at a position not widely known to affect splicing. Consensus agreement among computation tools predict no significant impact on normal splicing. However, these predictions have yet to be confirmed by functional studies. The variant was absent in 146652 control chromosomes. The available data on variant occurrences in the general population are insufficient to allow any conclusion about variant significance. To our knowledge, no occurrence of c.3365+41_3365+42dupTG in individuals affected with PAPPA2-related conditions and no experimental evidence demonstrating its impact on protein function have been reported. No submitters have cited clinical-significance assessments for this variant to ClinVar. Based on the evidence outlined above, the variant was classified as likely benign.